The following is an entry in ClinVar:

ClinVar aggregate classification (germline): Benign. Review status: criteria provided, multiple submitters, no conflicts (2 of 4 stars). 8 submissions from 8 submitters: Benign (7). 1 of the submissions does not count toward it. Last evaluated 2026-02-04.

Conditions:
Familial dysautonomia. Also called: FD; HSAN III. Identifiers: Orphanet 1764, MedGen C0013364, MONDO:0009131, OMIM 223900. Disease mechanism: loss of function.

Allele frequency attached by ClinVar (database versions not stated): ESP Exome Variant Server 0.07327; 1000 Genomes Project 30x 0.07527; TOPMed 0.07680; gnomAD 0.07986 and 0.08122; 1000 Genomes Project 0.07987; ExAC 0.09356; gnomAD exomes 0.09440.
gnomAD v4.1: 145,290 of 1,611,970 alleles (9%); highest among the groups gnomAD compares: East Asian, 14%; 6,925 homozygotes.

Submissions (8):

Labcorp Genetics (formerly Invitae), Labcorp
Classification: Benign. Last evaluated: 2026-02-04. Review status: criteria provided, single submitter. Criteria: Invitae Variant Classification Sherloc (09022015). Collection method: clinical testing. Allele origin: germline.

Mayo Clinic Laboratories, Mayo Clinic
Classification: Benign. Last evaluated: 2022-03-03. Review status: criteria provided, single submitter. Criteria: ACMG Guidelines, 2015. Collection method: clinical testing. Allele origin: germline. Observed: 337 variant alleles.

Genome-Nilou Lab
Classification: Benign for Familial dysautonomia. Last evaluated: 2021-07-01. Review status: criteria provided, single submitter. Criteria: ACMG Guidelines, 2015. Collection method: clinical testing. Allele origin: germline. Affected: no.

Illumina Laboratory Services, Illumina
Classification: Benign for Familial dysautonomia. Last evaluated: 2018-01-13. Review status: criteria provided, single submitter. Criteria: ICSL Variant Classification Criteria 13 December 2019. Collection method: clinical testing. Allele origin: germline.
Comment: This variant was observed in the ICSL laboratory as part of a predisposition screen in an ostensibly healthy population. It had not been previously curated by ICSL or reported in the Human Gene Mutation Database (HGMD: prior to June 1st, 2018), and was therefore a candidate for classification through an automated scoring system. Utilizing variant allele frequency, disease prevalence and penetrance estimates, and inheritance mode, an automated score was calculated to assess if this variant is too frequent to cause the disease. Based on the score and internal cut-off values, a variant classified as benign is not then subjected to further curation. The score for this variant resulted in a classification of benign for this disease.

GeneDx
Classification: Benign. Last evaluated: 2014-04-17. Review status: criteria provided, single submitter. Criteria: GeneDx Variant Classification (06012015). Collection method: clinical testing. Allele origin: germline. Affected: yes.
Comment: This variant is considered likely benign or benign based on one or more of the following criteria: it is a conservative change, it occurs at a poorly conserved position in the protein, it is predicted to be benign by multiple in silico algorithms, and/or has population frequency not consistent with disease.

Breakthrough Genomics
Classification: Benign. Review status: criteria provided, single submitter. Criteria: ACMG Guidelines, 2015. Collection method: not provided. Allele origin: germline. Inheritance: Autosomal recessive inheritance. Affected: yes.

PreventionGenetics, part of Exact Sciences
Classification: Benign. Review status: criteria provided, single submitter. Criteria: ACMG Guidelines, 2015. Collection method: clinical testing. Allele origin: germline.

Natera, Inc.
Classification: Benign for Familial dysautonomia. Last evaluated: 2017-05-10. Review status: no assertion criteria provided. Collection method: clinical testing. Allele origin: germline. Not counted in ClinVar's aggregate classification.

NM_003640.5(ELP1):c.441G>A (p.Gln147=)

Gene: ELP1 (elongator acetyltransferase complex subunit 1; minus strand). Cytogenetic location: 9q31.3.
Variant type: single nucleotide variant.
Coding change: c.441G>A on transcript NM_003640.5 (MANE Select); coding-DNA position 441, G replaced by A.
Protein change: p.Gln147=; no amino-acid change (glutamine 147 retained).
Molecular consequence: synonymous variant. On other transcripts: 5 prime UTR variant (1).
Genome position (GRCh38, 1-based): chr9:108,926,548, C>T on the plus strand (G>A on the coding strand, the complement: ELP1 is on the minus strand). VCF-style: chr9-108926548-C-T. GRCh37 (hg19) VCF-style: chr9-111688828-C-T.
Other names: p.Q147Q:CAG>CAA; p.Gln147=; c.441G>A (LRG_251t1); c.99G>A, p.Gln33= (NM_001318360.2); c.-419G>A (NM_001330749.2).
Identifiers: ClinVar variation 137583 (VCV000137583.25), dbSNP rs2230788, ClinGen allele CA291237.